The following is an entry in ClinVar:

NM_004006.3(DMD):c.985_991del (p.Ser329fs)

Gene: DMD (dystrophin; minus strand). Cytogenetic location: Xp21.1.
Variant type: Deletion.
Coding change: c.985_991del on transcript NM_004006.3 (MANE Select); coding-DNA positions 985 to 991, 7 bases deleted (TCATTTG; older notation c.985_991delTCATTTG).
Protein change: p.Ser329fs; shifts the reading frame from serine 329.
Molecular consequence: frameshift variant.
Genome position (GRCh38, 1-based): chrX:32,645,122-32,645,128, CAAATGA deleted on the plus strand (TCATTTG on the coding strand, the reverse complement: DMD is on the minus strand); deleting any 7 consecutive bases within chrX:32,645,122-32,645,129 gives the same sequence; the c. name uses the placement nearest the transcript's 3' end. VCF-style (leftmost placement, unchanged base first): chrX-32645121-CCAAATGA-C. GRCh37 (hg19) VCF-style: chrX-32663238-CCAAATGA-C.
Other names: c.961_967del, p.Ser321fs (NM_000109.4); c.973_979del, p.Ser325fs (NM_004009.3); c.616_622del, p.Ser206fs (NM_004010.3); short protein forms S206fs, S321fs, S325fs, S329fs.
Identifiers: ClinVar variation 3382430 (VCV003382430.2).
Genomic context (GRCh38, chrX:32,645,121, plus strand): 5'-ACTTCTTCTAAAGCTGTTTGATAACGGTCCAGGTTTACTTCACTCTCCATCAATGAACTG[CCAAATGA>C]CTTGTCTTCAGGAGCTTCCAAATGCTGCACAATAAAATAAATTGGGTGTTACACAATTAA-3'

ClinVar aggregate classification (germline): Pathogenic (1 of 4 stars; one submission).

Conditions:
Duchenne muscular dystrophy (DMD). Also called: Duchenne Muscular Dystrophy (DMD); MUSCULAR DYSTROPHY, PSEUDOHYPERTROPHIC PROGRESSIVE, DUCHENNE TYPE. Identifiers: Orphanet 98896, MedGen C0013264, MONDO:0010679, OMIM 310200.
Becker muscular dystrophy (BMD). Also called: MUSCULAR DYSTROPHY, PSEUDOHYPERTROPHIC PROGRESSIVE, BECKER TYPE; Becker Muscular Dystrophy (BMD). Identifiers: Orphanet 98895, MedGen C0917713, MONDO:0010311, OMIM 300376.
Dilated cardiomyopathy 3B (CMD3B). Also called: CMD3B: DMD-Related Dilated Cardiomyopathy; CARDIOMYOPATHY, DILATED, X-LINKED; DMD-Associated Dilated Cardiomyopathy. Identifiers: Orphanet 154, MedGen C3668940, MONDO:0010542, OMIM 302045.

Submission:

Juno Genomics, Hangzhou Juno Genomics, Inc
Classification: Pathogenic for Becker muscular dystrophy; Dilated cardiomyopathy 3B; Duchenne muscular dystrophy. Review status: criteria provided, single submitter. Criteria: ACMG Guidelines, 2015. Collection method: clinical testing. Allele origin: germline. Affected: yes.
Comment: Absent from controls (or at extremely low frequency if recessive) in Genome Aggregation Database, Exome Sequencing Project, 1000 Genomes Project, or Exome Aggregation Consortium.;Null variant in a gene where loss of function (LOF) is a known mechanism of disease.;Patient's phenotype or family history is highly specific for a disease with a single genetic etiology.